The following is an entry in ClinVar:

ClinVar aggregate classification (germline): Likely pathogenic (1 of 4 stars; one submission).

Conditions:
Cardiomyopathy, familial hypertrophic, 29, with polyglucosan bodies (CMH29). Identifiers: MedGen C5774308, MONDO:0859372, OMIM 620236.

gnomAD v4.1: 3 of 1,613,792 alleles (0.00019%); highest among the groups gnomAD compares: Non-Finnish European, 0.00025%; no homozygotes.

Submission:

The Key Laboratory for Human Disease Gene Study of Sichuan Province, Sichuan Academy of Medical Sciences & Sichuan Provincial People’s Hospital
Classification: Likely pathogenic for Cardiomyopathy, familial hypertrophic, 29, with polyglucosan bodies. Last evaluated: 2026-03-30. Review status: criteria provided, single submitter. Criteria: ACMG Guidelines, 2015. Collection method: clinical testing. Allele origin: maternal. Inheritance: Autosomal recessive inheritance. Affected: yes. Observed: 2 variant alleles, 2 compound heterozygotes. Clinical features observed: Hypertrophic cardiomyopathy (HP:0001639).
Comment: The KLHL24 c.1514A>G (p.Tyr505Cys) is a missense variant located in exon 7, within the KELCH domain of the gene. Multiple in silico prediction tools, including REVEL, SIFT, PolyPhen_2, MutationTaster, and GERP+, consistently predict this variant to be deleterious, supporting a potential impact on protein function (PP3_Strong). This variant is absent from population databases such as gnomAD (PM2_Supporting). To date, there are no prior reports of this variant in the literature or in ClinVar. The c.532del variant is classified as likely pathogenic (PVS1+PM2_Supporting). The presence of these two variants in trans configuration in two affected individuals provides strong evidence for pathogenicity (PM3). In summary, this variant meets criteria to be classified as likely pathogenic for the autosomal recessive form of hypertrophic cardiomyopathy associated with KLHL24 based on the ACMG/AMP criteria applied: PM3, PM2_Supporting, PP3_Strong.

NM_017644.3(KLHL24):c.1514A>G (p.Tyr505Cys)

Gene: KLHL24 (kelch like family member 24; plus strand). Cytogenetic location: 3q27.1.
Variant type: single nucleotide variant.
Coding change: c.1514A>G on transcript NM_017644.3 (MANE Select); coding-DNA position 1514, A replaced by G.
Protein change: p.Tyr505Cys; replaces tyrosine 505 with cysteine.
Molecular consequence: missense variant. On other transcripts: non-coding transcript variant (2).
Genome position (GRCh38, 1-based): chr3:183,672,396, A>G. VCF-style: chr3-183672396-A-G. GRCh37 (hg19) VCF-style: chr3-183390184-A-G.
Other names: c.1514A>G, p.Tyr505Cys (NM_001349421.1, NM_001349422.1, NM_001349423.1 and 5 more transcripts); c.671A>G, p.Tyr224Cys (NM_001349428.1, NM_001349429.1); c.1589A>G, p.Tyr530Cys (NM_001349413.1, NM_001349414.1, NM_001349415.1 and 3 more transcripts); short protein forms Y224C, Y505C, Y530C.
Identifiers: ClinVar variation 4845246 (VCV004845246.1).